The following is an entry in ClinVar:

ClinVar aggregate classification (germline): Likely benign (1 of 4 stars; one submission).

Conditions:
Neurodevelopmental disorder with or without autism or seizures (NEDAUS). Identifiers: MedGen C5543225, MONDO:0030994, OMIM 619239.

Submission:

Hadassah Hebrew University Medical Center
Classification: Likely benign for Neurodevelopmental disorder with or without autism or seizures. Last evaluated: 2025-10-01. Review status: criteria provided, single submitter. Criteria: ACMG Guidelines, 2015. Collection method: clinical testing. Allele origin: unknown. Affected: yes.
Comment: This variant is absent from the global population databases (PM2_Moderate); Null variant in a gene where Loss-of-function is a known mechanism of disease (PVS1_Very strong)

NM_003590.5(CUL3):c.674T>G (p.Leu225Ter)

Gene: CUL3 (cullin 3; minus strand). Cytogenetic location: 2q36.2.
Variant type: single nucleotide variant.
Coding change: c.674T>G on transcript NM_003590.5 (MANE Select); coding-DNA position 674, T replaced by G.
Protein change: p.Leu225Ter; replaces leucine 225 with a stop codon.
Molecular consequence: nonsense.
Genome position (GRCh38, 1-based): chr2:224,511,563, A>C on the plus strand (T>G on the coding strand, the complement: CUL3 is on the minus strand). VCF-style: chr2-224511563-A-C. GRCh37 (hg19) VCF-style: chr2-225376280-A-C.
Other names: c.476T>G, p.Leu159Ter (NM_001257197.2); c.692T>G, p.Leu231Ter (NM_001257198.2); short protein forms L159*, L225*, L231*.
Identifiers: ClinVar variation 4526707 (VCV004526707.1).
Genomic context (GRCh38, chr2:224,511,563, plus strand): 5'-ATTTCTTCATTAATTCTAGCTTCTACTTTCTTTATATATACTGAAGCACTATTTTCTGCT[A>C]AAAATTTCTGGCTTTCCATCTGCCATTTAAAAATATATATATTTTTTAAACATAGAAGAA-3'